The following is an entry in ClinVar:

ClinVar aggregate classification (germline): Uncertain significance (1 of 4 stars; one submission).

Conditions:
Epilepsy, progressive myoclonic, 1B. Also called: PME. Identifiers: Orphanet 308, MedGen C2676254, MONDO:0012904, OMIM 612437.

Allele frequency attached by ClinVar (database versions not stated): TOPMed below 0.00001; ExAC 0.00001; gnomAD 0.00001; gnomAD exomes 0.00001; 1000 Genomes Project 30x 0.00016; 1000 Genomes Project 0.00020.
gnomAD v4.1: 21 of 1,605,422 alleles (0.0013%); highest among the groups gnomAD compares: East Asian, 0.0022%; no homozygotes.

Submission:

Labcorp Genetics (formerly Invitae), Labcorp
Classification: Uncertain significance for Epilepsy, progressive myoclonic, 1B. Last evaluated: 2022-04-28. Review status: criteria provided, single submitter. Criteria: Invitae Variant Classification Sherloc (09022015). Collection method: clinical testing. Allele origin: germline.
Comment: This sequence change replaces arginine, which is basic and polar, with glutamine, which is neutral and polar, at codon 341 of the PRICKLE1 protein (p.Arg341Gln). In summary, the available evidence is currently insufficient to determine the role of this variant in disease. Therefore, it has been classified as a Variant of Uncertain Significance. Algorithms developed to predict the effect of missense changes on protein structure and function output the following: SIFT: "Tolerated"; PolyPhen-2: "Benign"; Align-GVGD: "Class C0". The glutamine amino acid residue is found in multiple mammalian species, which suggests that this missense change does not adversely affect protein function. ClinVar contains an entry for this variant (Variation ID: 665832). This variant has not been reported in the literature in individuals affected with PRICKLE1-related conditions. This variant is present in population databases (rs577174749, gnomAD 0.006%).

NM_153026.3(PRICKLE1):c.1022G>A (p.Arg341Gln)

Genes: PRICKLE1 (prickle planar cell polarity protein 1; minus strand), LOC126861509 (BRD4-independent group 4 enhancer GRCh37_chr12:42858567-42859766; plus strand). Cytogenetic location: 12q12.
Variant type: single nucleotide variant.
Coding change: c.1022G>A on transcript NM_153026.3 (MANE Select); coding-DNA position 1022, G replaced by A.
Protein change: p.Arg341Gln; replaces arginine 341 with glutamine.
Molecular consequence: missense variant.
Genome position (GRCh38, 1-based): chr12:42,465,012, C>T on the plus strand (G>A on the coding strand, the complement: PRICKLE1 is on the minus strand). VCF-style: chr12-42465012-C-T. GRCh37 (hg19) VCF-style: chr12-42858814-C-T.
Other names: c.1022G>A, p.Arg341Gln (NM_001144881.2, NM_001144882.2, NM_001144883.2); short protein forms R341Q.
Identifiers: ClinVar variation 665832 (VCV000665832.8), dbSNP rs577174749, ClinGen allele CA6519806.